The following is an entry in ClinVar:

NM_002471.4(MYH6):c.4891C>G (p.Leu1631Val)

Genes: MYH6 (myosin heavy chain 6; minus strand), LOC126861896 (BRD4-independent group 4 enhancer GRCh37_chr14:23854904-23856103; plus strand). Cytogenetic location: 14q11.2.
Variant type: single nucleotide variant.
Coding change: c.4891C>G on transcript NM_002471.4 (MANE Select); coding-DNA position 4891, C replaced by G.
Protein change: p.Leu1631Val; replaces leucine 1631 with valine.
Molecular consequence: missense variant.
Genome position (GRCh38, 1-based): chr14:23,386,383, G>C on the plus strand (C>G on the coding strand, the complement: MYH6 is on the minus strand). VCF-style: chr14-23386383-G-C. GRCh37 (hg19) VCF-style: chr14-23855592-G-C.
Other names: short protein forms L1631V.
Identifiers: ClinVar variation 3222347 (VCV003222347.1), dbSNP rs2502143327, ClinGen allele CA388991299.

ClinVar aggregate classification (germline): Uncertain significance (1 of 4 stars; one submission).

Conditions:
Cardiovascular phenotype. Identifiers: MedGen CN230736.

Submission:

Ambry Genetics
Classification: Uncertain significance for Cardiovascular phenotype. Last evaluated: 2023-11-01. Review status: criteria provided, single submitter. Criteria: Ambry Variant Classification Scheme 2023. Collection method: clinical testing. Allele origin: germline.
Comment: The p.L1631V variant (also known as c.4891C>G), located in coding exon 31 of the MYH6 gene, results from a C to G substitution at nucleotide position 4891. The leucine at codon 1631 is replaced by valine, an amino acid with highly similar properties. This amino acid position is conserved. In addition, the in silico prediction for this alteration is inconclusive. Since supporting evidence is limited at this time, the clinical significance of this alteration remains unclear.